The following is an entry in ClinVar:

ClinVar aggregate classification (germline): Likely benign (1 of 4 stars; one submission).

gnomAD v4.1: 63 of 1,614,124 alleles (0.0039%); highest among the groups gnomAD compares: African/African-American, 0.037%; no homozygotes.

Submission:

CeGaT Center for Human Genetics Tuebingen
Classification: Likely benign. Last evaluated: 2026-09-01. Review status: criteria provided, single submitter. Criteria: CeGaT Center For Human Genetics Tuebingen Variant Classification Criteria Version 2. Collection method: clinical testing. Allele origin: germline. Affected: yes. Observed: 1 variant allele.
Comment: ZMYND8: BP4, BP7

NM_001281775.3(ZMYND8):c.1341G>A (p.Ser447=)

Gene: ZMYND8 (zinc finger MYND-type containing 8; minus strand). Cytogenetic location: 20q13.12.
Variant type: single nucleotide variant.
Coding change: c.1341G>A on transcript NM_001281775.3 (MANE Select); coding-DNA position 1341, G replaced by A.
Protein change: p.Ser447=; no amino-acid change (serine 447 retained).
Molecular consequence: synonymous variant.
Genome position (GRCh38, 1-based): chr20:47,276,453, C>T on the plus strand (G>A on the coding strand, the complement: ZMYND8 is on the minus strand). VCF-style: chr20-47276453-C-T. GRCh37 (hg19) VCF-style: chr20-45905197-C-T.
Other names: c.1266G>A, p.Ser422= (NM_001281771.3, NM_001281777.3, NM_001281778.3 and 4 more transcripts); c.1281G>A, p.Ser427= (NM_001281772.3, NM_001281773.3, NM_001281774.3 and 1 more transcripts); c.1341G>A, p.Ser447= (NM_001281776.3, NM_001281783.3, NM_012408.6 and 1 more transcripts); c.537G>A, p.Ser179= (NM_001281779.3, NM_001281780.3); c.1362G>A, p.Ser454= (NM_001363714.1).
Identifiers: ClinVar variation 5041050 (VCV005041050.1).